The following is an entry in ClinVar:

ClinVar aggregate classification (germline): Uncertain significance (1 of 4 stars; one submission).

Conditions:
KBG syndrome (KBGS). Also called: ANKRD11-Related KBG Syndrome. Identifiers: Orphanet 2332, MedGen C0220687, MONDO:0007846, OMIM 148050.

Allele frequency attached by ClinVar (database versions not stated): gnomAD exomes below 0.00001; TOPMed below 0.00001.
gnomAD v4.1: 2 of 1,612,222 alleles (0.00012%); highest among the groups gnomAD compares: Admixed American, 0.0017%; no homozygotes.

Submission:

Labcorp Genetics (formerly Invitae), Labcorp
Classification: Uncertain significance for KBG syndrome. Last evaluated: 2023-01-05. Review status: criteria provided, single submitter. Criteria: Invitae Variant Classification Sherloc (09022015). Collection method: clinical testing. Allele origin: germline.
Comment: In summary, the available evidence is currently insufficient to determine the role of this variant in disease. Therefore, it has been classified as a Variant of Uncertain Significance. Advanced modeling of protein sequence and biophysical properties (such as structural, functional, and spatial information, amino acid conservation, physicochemical variation, residue mobility, and thermodynamic stability) performed at Invitae indicates that this missense variant is not expected to disrupt ANKRD11 protein function. This variant has not been reported in the literature in individuals affected with ANKRD11-related conditions. This variant is not present in population databases (gnomAD no frequency). This sequence change replaces glutamine, which is neutral and polar, with lysine, which is basic and polar, at codon 1230 of the ANKRD11 protein (p.Gln1230Lys).

NM_013275.6(ANKRD11):c.3688C>A (p.Gln1230Lys)

Gene: ANKRD11 (ankyrin repeat domain 11; minus strand). Cytogenetic location: 16q24.3.
Variant type: single nucleotide variant.
Coding change: c.3688C>A on transcript NM_013275.6 (MANE Select); coding-DNA position 3688, C replaced by A.
Protein change: p.Gln1230Lys; replaces glutamine 1230 with lysine.
Molecular consequence: missense variant.
Genome position (GRCh38, 1-based): chr16:89,282,854, G>T on the plus strand (C>A on the coding strand, the complement: ANKRD11 is on the minus strand). VCF-style: chr16-89282854-G-T. GRCh37 (hg19) VCF-style: chr16-89349262-G-T.
Other names: c.3688C>A, p.Gln1230Lys (NM_001256182.2, NM_001256183.2); short protein forms Q1230K.
Identifiers: ClinVar variation 2073029 (VCV002073029.4), dbSNP rs2034374906, ClinGen allele CA397159240.